The following is an entry in ClinVar:

NM_001200.4(BMP2):c.231dup (p.Tyr78fs)

Gene: BMP2 (bone morphogenetic protein 2; plus strand). Cytogenetic location: 20p12.3.
Variant type: Duplication.
Coding change: c.231dup on transcript NM_001200.4 (MANE Select); coding-DNA position 231, one base duplicated (C; older notation c.231dupC).
Protein change: p.Tyr78fs; shifts the reading frame from tyrosine 78.
Molecular consequence: frameshift variant.
Genome position (GRCh38, 1-based): chr20:6,770,357, C duplicated; the last of 6 consecutive C bases (chr20:6,770,352-6,770,357); duplicating any one gives the same sequence. VCF-style (leftmost placement, unchanged base first): chr20-6770351-G-GC. GRCh37 (hg19) VCF-style: chr20-6750998-G-GC.
Other names: short protein forms Y78fs.
Identifiers: ClinVar variation 2573988 (VCV002573988.6), dbSNP rs2514530484, ClinGen allele CA2580614992.

ClinVar aggregate classification (germline): Pathogenic. Review status: criteria provided, multiple submitters, no conflicts (2 of 4 stars). 3 submissions from 3 submitters: Pathogenic (3). Last evaluated 2025-10-15.

Conditions:
Short stature, facial dysmorphism, and skeletal anomalies with or without cardiac anomalies 1. Identifiers: MedGen C5542952, MONDO:0100297, OMIM 617877.
Paediatric disorders.

Submissions (3):

North West Genomic Laboratory Hub, Manchester University NHS Foundation Trust
Classification: Pathogenic for Paediatric disorders. Last evaluated: 2025-10-15. Review status: criteria provided, single submitter. Criteria: ACGS Best Practice Guidelines for Variant Classification in Rare Disease 2024. Collection method: clinical testing. Allele origin: germline. Affected: yes.
Comment: PM2_Mod PS4_Mod PVS1_VStr PS2_Mod

Labcorp Genetics (formerly Invitae), Labcorp
Classification: Pathogenic. Last evaluated: 2023-01-28. Review status: criteria provided, single submitter. Criteria: Invitae Variant Classification Sherloc (09022015). Collection method: clinical testing. Allele origin: germline.
Comment: This sequence change creates a premature translational stop signal (p.Tyr78Leufs*38) in the BMP2 gene. While this is not anticipated to result in nonsense mediated decay, it is expected to disrupt the last 319 amino acid(s) of the BMP2 protein. This variant is not present in population databases (gnomAD no frequency). This variant has not been reported in the literature in individuals affected with BMP2-related conditions. This variant disrupts a region of the BMP2 protein in which other variant(s) (p.Cys329*) have been determined to be pathogenic (PMID: 29198724). This suggests that this is a clinically significant region of the protein, and that variants that disrupt it are likely to be disease-causing. For these reasons, this variant has been classified as Pathogenic.

Department of Pediatrics and Developmental Biology, Tokyo Medical and Dental University
Classification: Pathogenic for Short stature, facial dysmorphism, and skeletal anomalies with or without cardiac anomalies 1. Review status: criteria provided, single submitter. Criteria: ACMG Guidelines, 2015. Collection method: research. Allele origin: germline. Inheritance: Autosomal dominant inheritance. Affected: yes. Observed: 3 variant alleles, 3 heterozygotes. Clinical features observed: Micrognathia (HP:0000347), Short stature (HP:0004322), Dextrocardia (HP:0001651), Pectus carinatum (HP:0000768), Stenosis of the external auditory canal (HP:0000402).

Literature cited by the submitters: PubMed 29198724 (cited by Labcorp Genetics (formerly Invitae), Labcorp); PubMed 21671386 (cited by Department of Pediatrics and Developmental Biology, Tokyo Medical and Dental University).